The following is an entry in ClinVar:

NM_005035.4(POLRMT):c.269G>A (p.Arg90Gln)

Gene: POLRMT (RNA polymerase mitochondrial; minus strand). Cytogenetic location: 19p13.3.
Variant type: single nucleotide variant.
Coding change: c.269G>A on transcript NM_005035.4 (MANE Select); coding-DNA position 269, G replaced by A.
Protein change: p.Arg90Gln; replaces arginine 90 with glutamine.
Molecular consequence: missense variant.
Genome position (GRCh38, 1-based): chr19:630,093, C>T on the plus strand (G>A on the coding strand, the complement: POLRMT is on the minus strand). VCF-style: chr19-630093-C-T. GRCh37 (hg19) VCF-style: chr19-630093-C-T.
Other names: c.269G>A (NM_005035.3); c.269G>A, p.Arg90Gln (NM_001407805.1, NM_001407806.1, NM_001407807.1 and 12 more transcripts); c.-56G>A (NM_001407831.1, NM_001407833.1, NM_001407834.1 and 2 more transcripts); short protein forms R90Q.
Identifiers: ClinVar variation 2077724 (VCV002077724.7), dbSNP rs56151778, ClinGen allele CA9020789.

ClinVar aggregate classification (germline): Uncertain significance. Review status: criteria provided, multiple submitters, no conflicts (2 of 4 stars). 2 submissions from 2 submitters: Uncertain significance (2). Last evaluated 2025-04-27.

Allele frequency attached by ClinVar (database versions not stated): gnomAD exomes 0.00003; gnomAD 0.00006; ExAC 0.00009; TOPMed 0.00013; 1000 Genomes Project 30x 0.00016; 1000 Genomes Project 0.00020.
gnomAD v4.1: 63 of 1,613,688 alleles (0.0039%); highest among the groups gnomAD compares: East Asian, 0.051%; no homozygotes.

Submissions (2):

Labcorp Genetics (formerly Invitae), Labcorp
Classification: Uncertain significance. Last evaluated: 2025-04-27. Review status: criteria provided, single submitter. Criteria: Invitae Variant Classification Sherloc (09022015). Collection method: clinical testing. Allele origin: germline.
Comment: This sequence change replaces arginine, which is basic and polar, with glutamine, which is neutral and polar, at codon 90 of the POLRMT protein (p.Arg90Gln). This variant is present in population databases (rs56151778, gnomAD 0.1%). This variant has not been reported in the literature in individuals affected with POLRMT-related conditions. ClinVar contains an entry for this variant (Variation ID: 2077724). An algorithm developed to predict the effect of missense changes on protein structure and function outputs the following: PolyPhen-2: "Benign". The glutamine amino acid residue is found in multiple mammalian species, which suggests that this missense change does not adversely affect protein function. In summary, the available evidence is currently insufficient to determine the role of this variant in disease. Therefore, it has been classified as a Variant of Uncertain Significance.

Ambry Genetics
Classification: Uncertain significance. Last evaluated: 2025-03-01. Review status: criteria provided, single submitter. Criteria: Ambry Variant Classification Scheme 2023. Collection method: clinical testing. Allele origin: germline.